The following is an entry in ClinVar:

ClinVar aggregate classification (germline): Uncertain significance (1 of 4 stars; one submission).

gnomAD v4.1: 1 of 1,614,222 alleles (0.000062%); no homozygotes.

Submission:

Labcorp Genetics (formerly Invitae), Labcorp
Classification: Uncertain significance. Last evaluated: 2022-10-31. Review status: criteria provided, single submitter. Criteria: Invitae Variant Classification Sherloc (09022015). Collection method: clinical testing. Allele origin: germline.
Comment: This sequence change replaces histidine, which is basic and polar, with arginine, which is basic and polar, at codon 194 of the ERCC6 protein (p.His194Arg). This variant is not present in population databases (gnomAD no frequency). This variant has not been reported in the literature in individuals affected with ERCC6-related conditions. Advanced modeling of protein sequence and biophysical properties (such as structural, functional, and spatial information, amino acid conservation, physicochemical variation, residue mobility, and thermodynamic stability) performed at Invitae indicates that this missense variant is not expected to disrupt ERCC6 protein function. In summary, the available evidence is currently insufficient to determine the role of this variant in disease. Therefore, it has been classified as a Variant of Uncertain Significance.

NM_000124.4(ERCC6):c.581A>G (p.His194Arg)

Gene: ERCC6 (ERCC excision repair 6, chromatin remodeling factor; minus strand). Cytogenetic location: 10q11.23.
Variant type: single nucleotide variant.
Coding change: c.581A>G on transcript NM_000124.4 (MANE Select); coding-DNA position 581, A replaced by G.
Protein change: p.His194Arg; replaces histidine 194 with arginine.
Molecular consequence: missense variant.
Genome position (GRCh38, 1-based): chr10:49,528,488, T>C on the plus strand (A>G on the coding strand, the complement: ERCC6 is on the minus strand). VCF-style: chr10-49528488-T-C. GRCh37 (hg19) VCF-style: chr10-50736534-T-C.
Other names: c.581A>G, p.His194Arg (NM_001277058.2, NM_001277059.2, NM_001346440.2); short protein forms H194R.
Identifiers: ClinVar variation 1950085 (VCV001950085.2), dbSNP rs2496158809, ClinGen allele CA376709337.